The following is an entry in ClinVar:

NM_000266.4(NDP):c.164G>A (p.Cys55Tyr)

Genes: NDP (norrin cystine knot growth factor NDP; minus strand), NDP-AS1 (NDP antisense RNA 1; plus strand). Cytogenetic location: Xp11.3.
Variant type: single nucleotide variant.
Coding change: c.164G>A on transcript NM_000266.4 (MANE Select); coding-DNA position 164, G replaced by A.
Protein change: p.Cys55Tyr; replaces cysteine 55 with tyrosine.
Molecular consequence: missense variant.
Genome position (GRCh38, 1-based): chrX:43,958,482, C>T on the plus strand (G>A on the coding strand, the complement: NDP is on the minus strand). VCF-style: chrX-43958482-C-T. GRCh37 (hg19) VCF-style: chrX-43817728-C-T.
Other names: short protein forms C55Y.
Identifiers: ClinVar variation 2169643 (VCV002169643.4), dbSNP rs2519320442, ClinGen allele CA413008963.

ClinVar aggregate classification (germline): Uncertain significance (1 of 4 stars; one submission).

Submission:

Labcorp Genetics (formerly Invitae), Labcorp
Classification: Uncertain significance. Last evaluated: 2025-06-22. Review status: criteria provided, single submitter. Criteria: Invitae Variant Classification Sherloc (09022015). Collection method: clinical testing. Allele origin: germline.
Comment: This sequence change replaces cysteine, which is neutral and slightly polar, with tyrosine, which is neutral and polar, at codon 55 of the NDP protein (p.Cys55Tyr). This variant is not present in population databases (gnomAD no frequency). This missense change has been observed in individuals with clinical features of exudative vitreoretinopathy (PMID: 30452590; internal data). ClinVar contains an entry for this variant (Variation ID: 2169643). Invitae Evidence Modeling of protein sequence and biophysical properties (such as structural, functional, and spatial information, amino acid conservation, physicochemical variation, residue mobility, and thermodynamic stability) has been performed for this missense variant. However, the output from this modeling did not meet the statistical confidence thresholds required to predict the impact of this variant on NDP protein function. This variant disrupts the p.Cys55 amino acid residue in NDP. Other variant(s) that disrupt this residue have been observed in individuals with NDP-related conditions (PMID: 20340138, 22563645, 30452590), which suggests that this may be a clinically significant amino acid residue. In summary, the available evidence is currently insufficient to determine the role of this variant in disease. Therefore, it has been classified as a Variant of Uncertain Significance.

Literature cited by the submitters: PubMed 30452590; PubMed 20340138; PubMed 22563645.